The following is an entry in ClinVar:

ClinVar aggregate classification (germline): Uncertain significance. Review status: criteria provided, multiple submitters, no conflicts (2 of 4 stars). 2 submissions from 2 submitters: Uncertain significance (2). Last evaluated 2023-08-23.

Allele frequency attached by ClinVar (database versions not stated): ExAC 0.00002; TOPMed 0.00002; gnomAD 0.00003 and 0.00004.
gnomAD v4.1: 37 of 1,614,096 alleles (0.0023%); highest among the groups gnomAD compares: Non-Finnish European, 0.0031%; no homozygotes.

Submissions (2):

Blueprint Genetics
Classification: Uncertain significance. Last evaluated: 2023-08-23. Review status: criteria provided, single submitter. Criteria: ACMG Guidelines, 2015. Collection method: clinical testing. Allele origin: germline.

Labcorp Genetics (formerly Invitae), Labcorp
Classification: Uncertain significance. Last evaluated: 2022-08-23. Review status: criteria provided, single submitter. Criteria: Invitae Variant Classification Sherloc (09022015). Collection method: clinical testing. Allele origin: germline.
Comment: This variant has not been reported in the literature in individuals affected with SLC7A14-related conditions. This sequence change replaces leucine, which is neutral and non-polar, with arginine, which is basic and polar, at codon 599 of the SLC7A14 protein (p.Leu599Arg). This variant is present in population databases (rs760717830, gnomAD 0.004%). ClinVar contains an entry for this variant (Variation ID: 1047807). Algorithms developed to predict the effect of missense changes on protein structure and function are either unavailable or do not agree on the potential impact of this missense change (SIFT: "Tolerated"; PolyPhen-2: "Probably Damaging"; Align-GVGD: "Class C0"). In summary, the available evidence is currently insufficient to determine the role of this variant in disease. Therefore, it has been classified as a Variant of Uncertain Significance.

NM_020949.3(SLC7A14):c.1796T>G (p.Leu599Arg)

Genes: SLC7A14 (solute carrier family 7 member 14; minus strand), SLC7A14-AS1 (SLC7A14 antisense RNA 1; plus strand). Cytogenetic location: 3q26.2.
Variant type: single nucleotide variant.
Coding change: c.1796T>G on transcript NM_020949.3 (MANE Select); coding-DNA position 1796, T replaced by G.
Protein change: p.Leu599Arg; replaces leucine 599 with arginine.
Molecular consequence: missense variant.
Genome position (GRCh38, 1-based): chr3:170,480,486, A>C on the plus strand (T>G on the coding strand, the complement: SLC7A14 is on the minus strand). VCF-style: chr3-170480486-A-C. GRCh37 (hg19) VCF-style: chr3-170198275-A-C.
Other names: short protein forms L599R.
Identifiers: ClinVar variation 1047807 (VCV001047807.9), dbSNP rs760717830, ClinGen allele CA2701565.